The following is an entry in ClinVar:

ClinVar aggregate classification (germline): Uncertain significance. Review status: criteria provided, multiple submitters, no conflicts (2 of 4 stars). 2 submissions from 2 submitters: Uncertain significance (2). Last evaluated 2025-05-19.

Conditions:
Inborn genetic diseases. Identifiers: MedGen C0950123, MeSH D030342.

Allele frequency attached by ClinVar (database versions not stated): gnomAD exomes below 0.00001; TOPMed below 0.00001; gnomAD 0.00001.
gnomAD v4.1: 3 of 1,532,352 alleles (0.0002%); highest among the groups gnomAD compares: African/African-American, 0.0028%; no homozygotes.

Submissions (2):

Ambry Genetics
Classification: Uncertain significance for Inborn genetic diseases. Last evaluated: 2025-05-19. Review status: criteria provided, single submitter. Criteria: Ambry Variant Classification Scheme 2023. Collection method: clinical testing. Allele origin: germline.

Labcorp Genetics (formerly Invitae), Labcorp
Classification: Uncertain significance. Last evaluated: 2024-12-02. Review status: criteria provided, single submitter. Criteria: Invitae Variant Classification Sherloc (09022015). Collection method: clinical testing. Allele origin: germline.
Comment: This sequence change replaces alanine, which is neutral and non-polar, with valine, which is neutral and non-polar, at codon 3019 of the ADGRV1 protein (p.Ala3019Val). This variant is not present in population databases (gnomAD no frequency). This variant has not been reported in the literature in individuals affected with ADGRV1-related conditions. ClinVar contains an entry for this variant (Variation ID: 1046806). Invitae Evidence Modeling of protein sequence and biophysical properties (such as structural, functional, and spatial information, amino acid conservation, physicochemical variation, residue mobility, and thermodynamic stability) indicates that this missense variant is not expected to disrupt ADGRV1 protein function with a negative predictive value of 95%. In summary, the available evidence is currently insufficient to determine the role of this variant in disease. Therefore, it has been classified as a Variant of Uncertain Significance.

NM_032119.4(ADGRV1):c.9056C>T (p.Ala3019Val)

Gene: ADGRV1 (adhesion G protein-coupled receptor V1; plus strand). Cytogenetic location: 5q14.3.
Variant type: single nucleotide variant.
Coding change: c.9056C>T on transcript NM_032119.4 (MANE Select); coding-DNA position 9056, C replaced by T.
Protein change: p.Ala3019Val; replaces alanine 3019 with valine.
Molecular consequence: missense variant. On other transcripts: non-coding transcript variant (1).
Genome position (GRCh38, 1-based): chr5:90,712,300, C>T. VCF-style: chr5-90712300-C-T. GRCh37 (hg19) VCF-style: chr5-90008117-C-T.
Other names: c.9056C>T (NM_032119.3); short protein forms A3019V.
Identifiers: ClinVar variation 1046806 (VCV001046806.9), dbSNP rs935152608, ClinGen allele CA122804739.